The following is an entry in ClinVar:

NM_000254.3(MTR):c.1559A>G (p.Tyr520Cys)

Gene: MTR (5-methyltetrahydrofolate-homocysteine methyltransferase; plus strand). Cytogenetic location: 1q43.
Variant type: single nucleotide variant.
Coding change: c.1559A>G on transcript NM_000254.3 (MANE Select); coding-DNA position 1559, A replaced by G.
Protein change: p.Tyr520Cys; replaces tyrosine 520 with cysteine.
Molecular consequence: missense variant.
Genome position (GRCh38, 1-based): chr1:236,850,387, A>G. VCF-style: chr1-236850387-A-G. GRCh37 (hg19) VCF-style: chr1-237013687-A-G.
Other names: c.1559A>G, p.Tyr520Cys (NM_001291939.1); c.338A>G, p.Tyr113Cys (NM_001291940.2); short protein forms Y113C, Y520C.
Identifiers: ClinVar variation 801638 (VCV000801638.9), dbSNP rs1242741686, ClinGen allele CA345373871.
Genomic context (GRCh38, chr1:236,850,387, plus strand): 5'-TTTGCTCTTTTCCCTAGGCAACAGAAACAGACACAAAAATCAGAGTGTGCACCCGGGCCT[A>G]CCATCTGCTTGTGAAAAAACTGGGCTTTAATCCAAATGACATTATTTTTGACCCTAATAT-3'
Protein context (NP_000245.2, residues 510-530): DTKIRVCTRA[Tyr520Cys]HLLVKKLGFN

ClinVar aggregate classification (germline): Conflicting classifications of pathogenicity. Review status: criteria provided, conflicting classifications (1 of 4 stars). 3 submissions from 3 submitters: Likely pathogenic (1); Uncertain significance (2). Last evaluated 2025-11-06.

Conditions:
Methylcobalamin deficiency type cblG (HMAG). Also called: Functional methionine synthase deficiency type cblG; HOMOCYSTINURIA-MEGALOBLASTIC ANEMIA, cblG TYPE; HOMOCYSTINURIA-MEGALOBLASTIC ANEMIA DUE TO DEFECT IN COBALAMIN METABOLISM, cblG COMPLEMENTATION TYPE; HOMOCYSTINURIA-MEGALOBLASTIC ANEMIA, cblG COMPLEMENTATION TYPE. Identifiers: Orphanet 2170, Orphanet 622, MedGen C1855128, MONDO:0009609, OMIM 250940.

Allele frequency attached by ClinVar (database versions not stated): gnomAD 0.00002.
gnomAD v4.1: 3 of 1,613,690 alleles (0.00019%); highest among the groups gnomAD compares: African/African-American, 0.004%; no homozygotes.

Submissions (3):

Dasa
Classification: Uncertain significance. Last evaluated: 2025-11-06. Review status: criteria provided, single submitter. Criteria: DASA Assertion Criteria. Collection method: clinical testing. Allele origin: germline.
Comment: NM_000254.3(MTR):c.1559A>G (p.Tyr520Cys) is a missense variant that results in the substitution of tyrosine with cysteine. This variant has been reported in individuals with MTR-related disorders (PMID: 28210839). Also, this variant is rare in population databases. Computational prediction algorithms are consistent with a deleterious effect. The currently available literature and clinical evidence are not sufficient to establish a definitive association between this variant and the reported condition. Therefore, this variant is classified as a variant of uncertain significance.

Labcorp Genetics (formerly Invitae), Labcorp
Classification: Uncertain significance for Methylcobalamin deficiency type cblG. Last evaluated: 2021-08-31. Review status: criteria provided, single submitter. Criteria: Invitae Variant Classification Sherloc (09022015). Collection method: clinical testing. Allele origin: germline.

Mendelics
Classification: Likely pathogenic for Methylcobalamin deficiency type cblG. Last evaluated: 2019-05-28. Review status: criteria provided, single submitter. Criteria: Mendelics Assertion Criteria 2017. Collection method: clinical testing. Allele origin: unknown.

Literature cited by the submitters: PubMed 28210839 (cited by Dasa).